The following is an entry in ClinVar:

NM_001312673.2(PCYT1A):c.536A>T (p.Asp179Val)

Gene: PCYT1A (phosphate cytidylyltransferase 1A, choline; minus strand). Cytogenetic location: 3q29.
Variant type: single nucleotide variant.
Coding change: c.536A>T on transcript NM_001312673.2 (MANE Select); coding-DNA position 536, A replaced by T.
Protein change: p.Asp179Val; replaces aspartic acid 179 with valine.
Molecular consequence: missense variant.
Genome position (GRCh38, 1-based): chr3:196,242,591, T>A on the plus strand (A>T on the coding strand, the complement: PCYT1A is on the minus strand). VCF-style: chr3-196242591-T-A. GRCh37 (hg19) VCF-style: chr3-195969462-T-A.
Other names: c.536A>T, p.Asp179Val (NM_005017.4); short protein forms D179V.
Identifiers: ClinVar variation 1928359 (VCV001928359.3), dbSNP rs777529998, ClinGen allele CA2779502.

ClinVar aggregate classification (germline): Uncertain significance. Review status: criteria provided, multiple submitters, no conflicts (2 of 4 stars). 2 submissions from 2 submitters: Uncertain significance (2). Last evaluated 2022-06-22.

Allele frequency attached by ClinVar (database versions not stated): gnomAD 0.00001; ExAC 0.00002.
gnomAD v4.1: 6 of 1,612,166 alleles (0.00037%); highest among the groups gnomAD compares: Non-Finnish European, 0.00051%; no homozygotes.

Submissions (2):

Labcorp Genetics (formerly Invitae), Labcorp
Classification: Uncertain significance. Last evaluated: 2022-06-22. Review status: criteria provided, single submitter. Criteria: Invitae Variant Classification Sherloc (09022015). Collection method: clinical testing. Allele origin: germline.
Comment: This sequence change replaces aspartic acid, which is acidic and polar, with valine, which is neutral and non-polar, at codon 179 of the PCYT1A protein (p.Asp179Val). The frequency data for this variant in the population databases is considered unreliable, as metrics indicate poor data quality at this position in the gnomAD database. This variant has not been reported in the literature in individuals affected with PCYT1A-related conditions. Algorithms developed to predict the effect of missense changes on protein structure and function are either unavailable or do not agree on the potential impact of this missense change (SIFT: "Deleterious"; PolyPhen-2: "Benign"; Align-GVGD: "Class C0"). In summary, the available evidence is currently insufficient to determine the role of this variant in disease. Therefore, it has been classified as a Variant of Uncertain Significance.

Blueprint Genetics
Classification: Uncertain significance. Last evaluated: 2022-06-03. Review status: criteria provided, single submitter. Criteria: ACMG Guidelines, 2015. Collection method: clinical testing. Allele origin: germline.